The following is an entry in ClinVar:

NM_003803.4(MYOM1):c.1288A>G (p.Ile430Val)

Gene: MYOM1 (myomesin 1; minus strand). Cytogenetic location: 18p11.31.
Variant type: single nucleotide variant.
Coding change: c.1288A>G on transcript NM_003803.4 (MANE Select); coding-DNA position 1288, A replaced by G.
Protein change: p.Ile430Val; replaces isoleucine 430 with valine.
Molecular consequence: missense variant.
Genome position (GRCh38, 1-based): chr18:3,168,868, T>C on the plus strand (A>G on the coding strand, the complement: MYOM1 is on the minus strand). VCF-style: chr18-3168868-T-C. GRCh37 (hg19) VCF-style: chr18-3168866-T-C.
Other names: c.1288A>G, p.Ile430Val (NM_019856.2); short protein forms I430V.
Identifiers: ClinVar variation 454428 (VCV000454428.9), dbSNP rs764996297, ClinGen allele CA8874993.

ClinVar aggregate classification (germline): Uncertain significance. Review status: criteria provided, multiple submitters, no conflicts (2 of 4 stars). 2 submissions from 2 submitters: Uncertain significance (2). Last evaluated 2024-11-24.

Conditions:
Hypertrophic cardiomyopathy. Also called: HYPERTROPHIC MYOCARDIOPATHY. Identifiers: Orphanet 217569, MedGen C0007194, MeSH D002312, MONDO:0005045, HP:0001639.

Allele frequency attached by ClinVar (database versions not stated): TOPMed 0.00004; gnomAD exomes 0.00001 and 0.00002; gnomAD 0.00003 and 0.00004; ExAC 0.00002.
gnomAD v4.1: 11 of 1,613,820 alleles (0.00068%); highest among the groups gnomAD compares: African/African-American, 0.0093%; no homozygotes.

Submissions (2):

Labcorp Genetics (formerly Invitae), Labcorp
Classification: Uncertain significance for Hypertrophic cardiomyopathy. Last evaluated: 2024-11-24. Review status: criteria provided, single submitter. Criteria: Invitae Variant Classification Sherloc (09022015). Collection method: clinical testing. Allele origin: germline.
Comment: This sequence change replaces isoleucine, which is neutral and non-polar, with valine, which is neutral and non-polar, at codon 430 of the MYOM1 protein (p.Ile430Val). This variant is present in population databases (rs764996297, gnomAD 0.02%). This variant has not been reported in the literature in individuals affected with MYOM1-related conditions. ClinVar contains an entry for this variant (Variation ID: 454428). Invitae Evidence Modeling of protein sequence and biophysical properties (such as structural, functional, and spatial information, amino acid conservation, physicochemical variation, residue mobility, and thermodynamic stability) indicates that this missense variant is not expected to disrupt MYOM1 protein function with a negative predictive value of 80%. In summary, the available evidence is currently insufficient to determine the role of this variant in disease. Therefore, it has been classified as a Variant of Uncertain Significance.

Ambry Genetics
Classification: Uncertain significance. Last evaluated: 2023-11-12. Review status: criteria provided, single submitter. Criteria: Ambry Variant Classification Scheme 2023. Collection method: clinical testing. Allele origin: germline.
Comment: The p.I430V variant (also known as c.1288A>G), located in coding exon 8 of the MYOM1 gene, results from an A to G substitution at nucleotide position 1288. The isoleucine at codon 430 is replaced by valine, an amino acid with highly similar properties. This amino acid position is conserved. In addition, this alteration is predicted to be tolerated by in silico analysis. Since supporting evidence is limited at this time, the clinical significance of this alteration remains unclear.